The following is an entry in ClinVar:

NM_014915.3(ANKRD26):c.-106T>G

Gene: ANKRD26 (ankyrin repeat domain containing 26; minus strand). Cytogenetic location: 10p12.1.
Variant type: single nucleotide variant.
Coding change: c.-106T>G on transcript NM_014915.3 (MANE Select); 106 bases upstream of the start codon, T replaced by G.
Molecular consequence: 5 prime UTR variant.
Genome position (GRCh38, 1-based): chr10:27,100,432, A>C on the plus strand (T>G on the coding strand, the complement: ANKRD26 is on the minus strand). VCF-style: chr10-27100432-A-C. GRCh37 (hg19) VCF-style: chr10-27389361-A-C.
Other names: c.-106T>G (NM_001256053.2).
Identifiers: ClinVar variation 3359291 (VCV003359291.1).
Genomic context (GRCh38, chr10:27,100,432, plus strand): 5'-TCTTAACGGCCTCCGGAGCCCAACATAACAAGTCAGCCCCGGCTGGCCGCAGCCTCCCAA[A>C]GGAAACTCCGCGGTTTCCAATCTCTCCCTCCGGGTTACCAAGCAAGCGATCCCGCTAGAC-3'

ClinVar aggregate classification (germline): Uncertain significance (1 of 4 stars; one submission).

Submission:

GeneDx
Classification: Uncertain significance. Last evaluated: 2023-05-30. Review status: criteria provided, single submitter. Criteria: GeneDx Variant Classification Process June 2021. Collection method: clinical testing. Allele origin: germline. Affected: yes.
Comment: Nucleotide substitution has no predicted effect on splicing and is not conserved across species; Has not been previously published as pathogenic or benign to our knowledge; No data available from control populations to assess the frequency of this variant